The following is an entry in ClinVar:

ClinVar aggregate classification (germline): Likely benign. Review status: reviewed by expert panel (3 of 4 stars). 6 submissions from 6 submitters: Likely benign (1). 5 of the submissions do not count toward it. Last evaluated 2017-05-09.

Conditions:
MAP2K2-related disorder. Also called: MAP2K2-related condition.
Cardiofaciocutaneous syndrome 4 (CFC4). Also called: MAP2K2-Related Cardiofaciocutaneous Syndrome. Identifiers: Orphanet 1340, MedGen C3809007, MONDO:0014114, OMIM 615280.
RASopathy. Also called: rasopathies; Noonan spectrum disorder. Identifiers: Orphanet 536391, MedGen C5555857, MONDO:0021060.

Allele frequency attached by ClinVar (database versions not stated): gnomAD 0.00002 and 0.00004; TOPMed 0.00002; gnomAD exomes 0.00004 and 0.00011; ESP Exome Variant Server 0.00008; ExAC 0.00030.

Submissions (6):

ClinGen RASopathy Variant Curation Expert Panel
Classification: Likely benign for Noonan syndrome and Noonan-related syndrome. Last evaluated: 2017-05-09. Review status: reviewed by expert panel. Criteria: ClinGen RASopathy ACMG Specifications v1. Collection method: curation. Allele origin: germline. Inheritance: Autosomal dominant inheritance.
Comment: The filtering allele frequency of the c.535C>T (p.Arg179Trp) variant in the MAP2K2 gene is 0.0362% (3/2258) of East Asian chromosomes by the Exome Aggregation Consortium, which is a high enough frequency to be classified as likely benign based on thresholds defined by the ClinGen RASopathy Expert Panel (BS1; PMID:29493581)

Labcorp Genetics (formerly Invitae), Labcorp
Classification: Uncertain significance for RASopathy. Last evaluated: 2025-06-29. Review status: criteria provided, single submitter. Criteria: Invitae Variant Classification Sherloc (09022015). Collection method: clinical testing. Allele origin: germline. Not counted in ClinVar's aggregate classification.
Comment: This sequence change replaces arginine, which is basic and polar, with tryptophan, which is neutral and slightly polar, at codon 179 of the MAP2K2 protein (p.Arg179Trp). The frequency data for this variant in the population databases is considered unreliable, as metrics indicate poor data quality at this position in the gnomAD database. This variant has not been reported in the literature in individuals affected with MAP2K2-related conditions. ClinVar contains an entry for this variant (Variation ID: 180905). Invitae Evidence Modeling incorporating data from in vitro experimental studies (internal data) indicates that this missense variant is not expected to disrupt MAP2K2 function with a negative predictive value of 95%. In summary, the available evidence is currently insufficient to determine the role of this variant in disease. Therefore, it has been classified as a Variant of Uncertain Significance.

CeGaT Center for Human Genetics Tuebingen
Classification: Likely benign. Last evaluated: 2023-09-01. Review status: criteria provided, single submitter. Criteria: CeGaT Center For Human Genetics Tuebingen Variant Classification Criteria Version 2. Collection method: clinical testing. Allele origin: germline. Affected: yes. Observed: 1 variant allele. Not counted in ClinVar's aggregate classification.
Comment: MAP2K2: BS2

Fulgent Genetics
Classification: Likely benign for Cardiofaciocutaneous syndrome 4. Last evaluated: 2021-08-26. Review status: criteria provided, single submitter. Criteria: ACMG Guidelines, 2015. Collection method: clinical testing. Allele origin: unknown. Not counted in ClinVar's aggregate classification.

GeneDx
Classification: Uncertain significance. Last evaluated: 2019-03-26. Review status: criteria provided, single submitter. Criteria: GeneDx Variant Classification (06012015). Collection method: clinical testing. Allele origin: germline. Affected: yes. Not counted in ClinVar's aggregate classification.
Comment: This variant is considered likely benign or benign based on one or more of the following criteria: it is a conservative change, it occurs at a poorly conserved position in the protein, it is predicted to be benign by multiple in silico algorithms, and/or has population frequency not consistent with disease.

PreventionGenetics, part of Exact Sciences
Classification: Likely benign for MAP2K2-related condition. Last evaluated: 2021-03-10. Review status: no assertion criteria provided. Collection method: clinical testing. Allele origin: germline. Not counted in ClinVar's aggregate classification.
Comment: This variant is classified as likely benign based on ACMG/AMP sequence variant interpretation guidelines (Richards et al. 2015 PMID: 25741868, with internal and published modifications).

NM_030662.4(MAP2K2):c.535C>T (p.Arg179Trp)

Gene: MAP2K2 (mitogen-activated protein kinase kinase 2; minus strand). Cytogenetic location: 19p13.3.
Variant type: single nucleotide variant.
Coding change: c.535C>T on transcript NM_030662.4 (MANE Select); coding-DNA position 535, C replaced by T.
Protein change: p.Arg179Trp; replaces arginine 179 with tryptophan.
Molecular consequence: missense variant.
Genome position (GRCh38, 1-based): chr19:4,101,274, G>A on the plus strand (C>T on the coding strand, the complement: MAP2K2 is on the minus strand). VCF-style: chr19-4101274-G-A. GRCh37 (hg19) VCF-style: chr19-4101272-G-A.
Other names: p.R179W:CGG>TGG; NM_030662.3(MAP2K2):c.535C>T; short protein forms R179W.
Identifiers: ClinVar variation 180905 (VCV000180905.35), dbSNP rs370799450, ClinGen allele CA296130.
Genomic context (GRCh38, chr19:4,101,274, plus strand): 5'-CGGGCTGGGCCTTACCTCGGTGCATGATCTGGTGCTTCTCTCGGAGGTACGCCAAGCCCC[G>A]GAGAACCTGCAGGGGAGCGCGGAGGGAGTCACGGGACAAGGCCACCAGGGCTTAGCTCCT-3'
Protein context (NP_109587.1, residues 169-189): ILGKVSIAVL[Arg179Trp]GLAYLREKHQ